The following is an entry in ClinVar:

NM_000051.4(ATM):c.5319+7T>A

Gene: ATM (ATM serine/threonine kinase; plus strand). Cytogenetic location: 11q22.3.
Variant type: single nucleotide variant.
Coding change: c.5319+7T>A on transcript NM_000051.4 (MANE Select); 7 bases into the intron after coding-DNA position 5319, T replaced by A.
Molecular consequence: intron variant.
Genome position (GRCh38, 1-based): chr11:108,301,796, T>A. VCF-style: chr11-108301796-T-A. GRCh37 (hg19) VCF-style: chr11-108172523-T-A.
Other names: c.5319+7T>A (NM_001351834.2).
Identifiers: ClinVar variation 489557 (VCV000489557.23), dbSNP rs925428128, ClinGen allele CA228387683.

ClinVar aggregate classification (germline): Conflicting classifications of pathogenicity. Review status: criteria provided, conflicting classifications (1 of 4 stars). 6 submissions from 6 submitters: Uncertain significance (3); Likely benign (2). 1 of the submissions does not count toward it. Last evaluated 2025-12-24.

Conditions:
ATM-related disorder. Also called: ATM-related disorders; ATM-related condition.
Hereditary cancer-predisposing syndrome. Also called: Tumor predisposition; Neoplastic Syndromes, Hereditary; Hereditary Cancer Syndrome; Hereditary neoplastic syndrome. Identifiers: Orphanet 140162, MedGen C0027672, MeSH D009386, MONDO:0015356.
Familial cancer of breast. Also called: BREAST CANCER, FAMILIAL; hereditary breast carcinoma; Hereditary breast cancer. Identifiers: Orphanet 227535, MedGen C0346153, MONDO:0016419, OMIM 114480. Disease mechanism: loss of function.
Ataxia-telangiectasia syndrome (AT). Also called: Ataxia-telangiectasia; Ataxia-telangiectasia, complementation group D; AT, COMPLEMENTATION GROUP C; LOUIS-BAR SYNDROME; Cerebello-oculocutaneous telangiectasia; Immunodeficiency with ataxia telangiectasia. Identifiers: Orphanet 100, MedGen C0004135, MONDO:0008840, OMIM 208900.

Allele frequency attached by ClinVar (database versions not stated): gnomAD 0.00001 and 0.00002; TOPMed 0.00002; gnomAD exomes below 0.00001.
gnomAD v4.1: 9 of 1,612,986 alleles (0.00056%); highest among the groups gnomAD compares: Non-Finnish European, 0.00076%; no homozygotes.

Submissions (6):

Labcorp Genetics (formerly Invitae), Labcorp
Classification: Likely benign for Ataxia-telangiectasia syndrome. Last evaluated: 2025-12-24. Review status: criteria provided, single submitter. Criteria: Invitae Variant Classification Sherloc (09022015). Collection method: clinical testing. Allele origin: germline.

Molecular Pathology, Peter Maccallum Cancer Centre
Classification: Uncertain significance for Ataxia-telangiectasia syndrome. Last evaluated: 2024-10-15. Review status: criteria provided, single submitter. Criteria: ACMG Guidelines, 2015. Collection method: clinical testing. Allele origin: germline. Inheritance: Autosomal recessive inheritance.

Myriad Genetics, Inc.
Classification: Likely benign for Familial cancer of breast. Last evaluated: 2024-06-05. Review status: criteria provided, single submitter. Criteria: Myriad Autosomal Dominant, Autosomal Recessive and X-Linked Classification Criteria (2023). Collection method: clinical testing. Allele origin: unknown.
Comment: This variant is considered likely benign. This variant is intronic and is not expected to impact mRNA splicing. This variant is strongly associated with less severe personal and family histories of cancer, typical for individuals without pathogenic variants in this gene [PMID: 25085752].

Quest Diagnostics Nichols Institute San Juan Capistrano
Classification: Uncertain significance. Last evaluated: 2024-01-26. Review status: criteria provided, single submitter. Criteria: Quest Diagnostics criteria. Collection method: clinical testing. Allele origin: unknown.

Color Diagnostics, LLC DBA Color Health
Classification: Uncertain significance for Hereditary cancer-predisposing syndrome. Last evaluated: 2022-08-15. Review status: criteria provided, single submitter. Criteria: ACMG Guidelines, 2015. Collection method: clinical testing. Allele origin: germline.
Comment: This variant causes a T to A nucleotide substitution at the +7 position of intron 35 of the ATM gene. Splice site prediction tools are inconclusive regarding the impact of this variant on RNA splicing. To our knowledge, functional studies have not been reported for this variant. This variant has not been reported in individuals affected with hereditary cancer in the literature. This variant has been identified in 1/250500 chromosomes in the general population by the Genome Aggregation Database (gnomAD). The available evidence is insufficient to determine the role of this variant in disease conclusively. Therefore, this variant is classified as a Variant of Uncertain Significance.

PreventionGenetics, part of Exact Sciences
Classification: Likely benign for ATM-related condition. Last evaluated: 2021-06-24. Review status: no assertion criteria provided. Collection method: clinical testing. Allele origin: germline. Not counted in ClinVar's aggregate classification.
Comment: This variant is classified as likely benign based on ACMG/AMP sequence variant interpretation guidelines (Richards et al. 2015 PMID: 25741868, with internal and published modifications).

Literature cited by the submitters: PubMed 25085752 (cited by Myriad Genetics, Inc.).